The following is an entry in ClinVar:

ClinVar aggregate classification (germline): Benign. Review status: criteria provided, multiple submitters, no conflicts (2 of 4 stars). 3 submissions from 3 submitters: Benign (2). 1 of the submissions does not count toward it. Last evaluated 2018-06-28.

Conditions:
MBD1-related disorder. Also called: MBD1-related condition.

Allele frequency attached by ClinVar (database versions not stated): ESP Exome Variant Server 0.00023; 1000 Genomes Project 0.00040; 1000 Genomes Project 30x 0.00047; gnomAD exomes 0.00048 and 0.00078; gnomAD 0.00063 and 0.00067; TOPMed 0.00071; ExAC 0.00073.
gnomAD v4.1: 824 of 1,614,200 alleles (0.051%); highest among the groups gnomAD compares: Middle Eastern, 0.4%; 4 homozygotes.

Submissions (3):

Labcorp Genetics (formerly Invitae), Labcorp
Classification: Benign. Last evaluated: 2018-06-28. Review status: criteria provided, single submitter. Criteria: Invitae Variant Classification Sherloc (09022015). Collection method: clinical testing. Allele origin: germline.

Breakthrough Genomics
Classification: Benign. Review status: criteria provided, single submitter. Criteria: ACMG Guidelines, 2015. Collection method: not provided. Allele origin: germline. Inheritance: Unknown mechanism. Affected: yes.

PreventionGenetics, part of Exact Sciences
Classification: Likely benign for MBD1-related condition. Last evaluated: 2019-06-18. Review status: no assertion criteria provided. Collection method: clinical testing. Allele origin: germline. Not counted in ClinVar's aggregate classification.
Comment: This variant is classified as likely benign based on ACMG/AMP sequence variant interpretation guidelines (Richards et al. 2015 PMID: 25741868, with internal and published modifications).

NM_015846.4(MBD1):c.441G>A (p.Arg147=)

Gene: MBD1 (methyl-CpG binding domain protein 1; minus strand). Cytogenetic location: 18q21.1.
Variant type: single nucleotide variant.
Coding change: c.441G>A on transcript NM_015846.4 (MANE Select); coding-DNA position 441, G replaced by A.
Protein change: p.Arg147=; no amino-acid change (arginine 147 retained).
Molecular consequence: synonymous variant. On other transcripts: 5 prime UTR variant (2).
Genome position (GRCh38, 1-based): chr18:50,276,696, C>T on the plus strand (G>A on the coding strand, the complement: MBD1 is on the minus strand). VCF-style: chr18-50276696-C-T. GRCh37 (hg19) VCF-style: chr18-47803066-C-T.
Other names: c.441G>A, p.Arg147= (NM_001204136.2, NM_001204137.2, NM_001204138.2 and 46 more transcripts); c.-67G>A (NM_001323949.2, NM_001323953.2); c.441G>A (NM_001323942.1).
Identifiers: ClinVar variation 734848 (VCV000734848.6), dbSNP rs143514309, ClinGen allele CA8963185.